The following is an entry in ClinVar:

ClinVar aggregate classification (germline): Uncertain significance (1 of 4 stars; one submission).

Conditions:
Cardiovascular phenotype. Identifiers: MedGen CN230736.

Submission:

Ambry Genetics
Classification: Uncertain significance for Cardiovascular phenotype. Last evaluated: 2025-08-19. Review status: criteria provided, single submitter. Criteria: Ambry Variant Classification Scheme 2023. Collection method: clinical testing. Allele origin: germline.
Comment: The p.R195W variant (also known as c.583C>T), located in coding exon 2 of the NKX2-5 gene, results from a C to T substitution at nucleotide position 583. The arginine at codon 195 is replaced by tryptophan, an amino acid with dissimilar properties. This amino acid position is conserved. In addition, this alteration is predicted to be deleterious by in silico analysis. Based on the available evidence, the clinical significance of this variant remains unclear.

NM_004387.4(NKX2-5):c.583C>T (p.Arg195Trp)

Gene: NKX2-5 (NK2 homeobox 5; minus strand). Cytogenetic location: 5q35.1.
Variant type: single nucleotide variant.
Coding change: c.583C>T on transcript NM_004387.4 (MANE Select); coding-DNA position 583, C replaced by T.
Protein change: p.Arg195Trp; replaces arginine 195 with tryptophan.
Molecular consequence: missense variant. On other transcripts: 3 prime UTR variant (2).
Genome position (GRCh38, 1-based): chr5:173,232,961, G>A on the plus strand (C>T on the coding strand, the complement: NKX2-5 is on the minus strand). VCF-style: chr5-173232961-G-A. GRCh37 (hg19) VCF-style: chr5-172659964-G-A.
Other names: c.*536C>T (NM_001166175.2); c.*382C>T (NM_001166176.2); short protein forms R195W.
Identifiers: ClinVar variation 4120360 (VCV004120360.1).